The following is an entry in ClinVar:

ClinVar aggregate classification (germline): Pathogenic/Likely pathogenic. Review status: criteria provided, multiple submitters, no conflicts (2 of 4 stars). 3 submissions from 3 submitters: Pathogenic (1); Likely pathogenic (2). Last evaluated 2023-04-16.

Conditions:
Joubert syndrome 38. Identifiers: MedGen C5561958, MONDO:0030353, OMIM 619476.
KIAA0753-related disorder.

Submissions (3):

Labcorp Genetics (formerly Invitae), Labcorp
Classification: Pathogenic. Last evaluated: 2023-04-16. Review status: criteria provided, single submitter. Criteria: Invitae Variant Classification Sherloc (09022015). Collection method: clinical testing. Allele origin: germline.
Comment: For these reasons, this variant has been classified as Pathogenic. ClinVar contains an entry for this variant (Variation ID: 1677084). This variant has not been reported in the literature in individuals affected with KIAA0753-related conditions. This variant is present in population databases (rs766831438, gnomAD 0.005%). This sequence change creates a premature translational stop signal (p.Lys494Argfs*4) in the KIAA0753 gene. It is expected to result in an absent or disrupted protein product. Loss-of-function variants in KIAA0753 are known to be pathogenic (PMID: 29138412).

Women's Health and Genetics/Laboratory Corporation of America, LabCorp
Classification: Likely pathogenic for Joubert syndrome 38. Last evaluated: 2022-03-10. Review status: criteria provided, single submitter. Criteria: LabCorp Variant Classification Summary - May 2015. Collection method: clinical testing. Allele origin: germline.
Comment: Variant summary: KIAA0753 c.1481delA (p.Lys494ArgfsX4) results in a premature termination codon, predicted to cause a truncation of the encoded protein or absence of the protein due to nonsense mediated decay, which are commonly known mechanisms for disease. The variant allele was found at a frequency of 2.4e-05 in 249450 control chromosomes. To our knowledge, no occurrence of c.1481delA in individuals affected with Joubert Syndrome 38 and no experimental evidence demonstrating its impact on protein function have been reported. No clinical diagnostic laboratories have submitted clinical-significance assessments for this variant to ClinVar after 2014. Based on the evidence outlined above, the variant was classified as likely pathogenic.

Blueprint Genetics
Classification: Likely pathogenic for KIAA0753-related disorders. Last evaluated: 2019-09-19. Review status: criteria provided, single submitter. Criteria: ACMG Guidelines, 2015. Collection method: clinical testing. Allele origin: germline. Affected: yes. Observed: 3 variant alleles.

Literature cited by the submitters: PubMed 29138412 (cited by Labcorp Genetics (formerly Invitae), Labcorp).

NM_014804.3(KIAA0753):c.1481del (p.Lys494fs)

Gene: KIAA0753 (KIAA0753; minus strand). Cytogenetic location: 17p13.1.
Variant type: Deletion.
Coding change: c.1481del on transcript NM_014804.3 (MANE Select); coding-DNA position 1481, one base deleted (A; older notation c.1481delA).
Protein change: p.Lys494fs; shifts the reading frame from lysine 494.
Molecular consequence: frameshift variant.
Genome position (GRCh38, 1-based): chr17:6,611,983, T deleted on the plus strand (A on the coding strand, the reverse complement: KIAA0753 is on the minus strand); the first of 5 consecutive T bases (chr17:6,611,983-6,611,987); deleting any one gives the same sequence. VCF-style (leftmost placement, unchanged base first): chr17-6611982-CT-C. GRCh37 (hg19) VCF-style: chr17-6515302-CT-C.
Other names: c.584del, p.Lys195fs (NM_001351225.2); short protein forms K195fs, K494fs.
Identifiers: ClinVar variation 1677084 (VCV001677084.5), dbSNP rs766831438, ClinGen allele CA8330472.